The following is an entry in ClinVar:

NM_001754.5(RUNX1):c.1188C>G (p.Phe396Leu)

Gene: RUNX1 (RUNX family transcription factor 1; minus strand). Cytogenetic location: 21q22.12.
Variant type: single nucleotide variant.
Coding change: c.1188C>G on transcript NM_001754.5 (MANE Select); coding-DNA position 1188, C replaced by G.
Protein change: p.Phe396Leu; replaces phenylalanine 396 with leucine.
Molecular consequence: missense variant.
Genome position (GRCh38, 1-based): chr21:34,792,390, G>C on the plus strand (C>G on the coding strand, the complement: RUNX1 is on the minus strand). VCF-style: chr21-34792390-G-C. GRCh37 (hg19) VCF-style: chr21-36164687-G-C.
Other names: NM_001754.5(RUNX1):c.1188C>G; p.Phe396Leu; c.1107C>G, p.Phe369Leu (NM_001001890.3); short protein forms F369L, F396L.
Identifiers: ClinVar variation 966436 (VCV000966436.13), dbSNP rs1417292859, ClinGen allele CA410147824.

ClinVar aggregate classification (germline): Uncertain significance. Review status: reviewed by expert panel (3 of 4 stars). 4 submissions from 4 submitters: Uncertain significance (1). 3 of the submissions do not count toward it. Last evaluated 2025-05-02.

Conditions:
Inborn genetic diseases. Identifiers: MedGen C0950123, MeSH D030342.
Hereditary thrombocytopenia and hematologic cancer predisposition syndrome. Identifiers: Orphanet 71290, MedGen CN281654, MONDO:0011071.
Hereditary thrombocytopenia and hematological cancer predisposition syndrome associated with RUNX1. Also called: RUNX1 Familial Platelet Disorder with Associated Myeloid Malignancies; PLATELET DISORDER, ASPIRIN-LIKE; Familial Platelet Disorder with Propensity to Acute Myelogenous Leukemia; Familial thrombocytopenia with propensity to acute myelogenous leukemia. Identifiers: Orphanet 71290, MedGen C1832388, MeSH C563324, MONDO:0100083, OMIM 601399.

Allele frequency attached by ClinVar (database versions not stated): gnomAD 0.00001; gnomAD exomes 0.00001; TOPMed 0.00001.
gnomAD v4.1: 5 of 1,566,254 alleles (0.00032%); highest among the groups gnomAD compares: Non-Finnish European, 0.00043%; no homozygotes.

Submissions (4):

ClinGen Myeloid Malignancy Variant Curation Expert Panel
Classification: Uncertain significance for Hereditary thrombocytopenia and hematologic cancer predisposition syndrome. Last evaluated: 2025-05-02. Review status: reviewed by expert panel. Criteria: ClinGen MyeloMalig ACMG Specifications v2. Collection method: curation. Allele origin: germline. Inheritance: Autosomal dominant inheritance.
Comment: NM_001754.5(RUNX1):c.1188C>G (p.Phe396Leu) is a missense variant which has a REVEL score < 0.50 (0.203) and a SpliceAI score ≤ 0.20 (0) (BP4). In summary, the clinical significance of this variant is uncertain. ACMG/AMP criteria applied, as specified by the Myeloid Malignancy Variant Curation Expert Panel for RUNX1: BP4.

OLLIN Analises Genomicas, OLLIN
Classification: Uncertain significance for Hereditary thrombocytopenia and hematological cancer predisposition syndrome associated with RUNX1. Last evaluated: 2026-08-06. Review status: criteria provided, single submitter. Criteria: ACMG Guidelines 2015 PMID 25741868. Collection method: clinical testing. Allele origin: germline. Not counted in ClinVar's aggregate classification.
Comment: This missense variant, located in exon 9 (of 9), has been reported in ClinVar (accession VCV000966436.12) and in gnomAD with an allele frequency of 0.00032%. However, to our knowledge, it has not been reported in the scientific literature. In silico analysis predicts that this variant has a tolerated effect. According to the currently available evidence, this variant has been classified as uncertain significance (BP4).

Ambry Genetics
Classification: Uncertain significance for Inborn genetic diseases. Last evaluated: 2025-02-20. Review status: criteria provided, single submitter. Criteria: Ambry Variant Classification Scheme 2023. Collection method: clinical testing. Allele origin: germline. Not counted in ClinVar's aggregate classification.
Comment: The p.F396L variant (also known as c.1188C>G), located in coding exon 8 of the RUNX1 gene, results from a C to G substitution at nucleotide position 1188. The phenylalanine at codon 396 is replaced by leucine, an amino acid with highly similar properties. This amino acid position is conserved. In addition, this alteration is predicted to be tolerated by in silico analysis. Based on the available evidence, the clinical significance of this variant remains unclear.

Labcorp Genetics (formerly Invitae), Labcorp
Classification: Uncertain significance for Hereditary thrombocytopenia and hematological cancer predisposition syndrome associated with RUNX1. Last evaluated: 2024-04-10. Review status: criteria provided, single submitter. Criteria: Invitae Variant Classification Sherloc (09022015). Collection method: clinical testing. Allele origin: germline. Not counted in ClinVar's aggregate classification.
Comment: This sequence change replaces phenylalanine, which is neutral and non-polar, with leucine, which is neutral and non-polar, at codon 396 of the RUNX1 protein (p.Phe396Leu). This variant is present in population databases (no rsID available, gnomAD 0.001%). This variant has not been reported in the literature in individuals affected with RUNX1-related conditions. ClinVar contains an entry for this variant (Variation ID: 966436). Advanced modeling of protein sequence and biophysical properties (such as structural, functional, and spatial information, amino acid conservation, physicochemical variation, residue mobility, and thermodynamic stability) performed at Invitae indicates that this missense variant is not expected to disrupt RUNX1 protein function with a negative predictive value of 80%. In summary, the available evidence is currently insufficient to determine the role of this variant in disease. Therefore, it has been classified as a Variant of Uncertain Significance.